The following is an entry in ClinVar:

ClinVar aggregate classification (germline): Likely benign (0 of 4 stars; one submission).

Conditions:
CACNA2D2-related disorder. Also called: CACNA2D2-related condition.

gnomAD v4.1: 5 of 1,613,530 alleles (0.00031%); highest among the groups gnomAD compares: South Asian, 0.0022%; no homozygotes.

Submission:

PreventionGenetics, part of Exact Sciences
Classification: Likely benign for CACNA2D2-related condition. Last evaluated: 2024-03-29. Review status: no assertion criteria provided. Collection method: clinical testing. Allele origin: germline.
Comment: This variant is classified as likely benign based on ACMG/AMP sequence variant interpretation guidelines (Richards et al. 2015 PMID: 25741868, with internal and published modifications).

NM_006030.4(CACNA2D2):c.3051G>A (p.Ser1017=)

Genes: CACNA2D2 (calcium voltage-gated channel auxiliary subunit alpha2delta 2; minus strand), LOC127898564 (CYB561D2-LOC101928965; plus strand), LOC101928965 (uncharacterized LOC101928965; plus strand). Cytogenetic location: 3p21.31.
Variant type: single nucleotide variant.
Coding change: c.3051G>A on transcript NM_006030.4 (MANE Select); coding-DNA position 3051, G replaced by A.
Protein change: p.Ser1017=; no amino-acid change (serine 1017 retained).
Molecular consequence: synonymous variant. On other transcripts: non-coding transcript variant (7).
Genome position (GRCh38, 1-based): chr3:50,365,403, C>T on the plus strand (G>A on the coding strand, the complement: CACNA2D2 is on the minus strand). VCF-style: chr3-50365403-C-T. GRCh37 (hg19) VCF-style: chr3-50402834-C-T.
Other names: c.3051G>A, p.Ser1017= (NM_001005505.3); c.3072G>A, p.Ser1024= (NM_001174051.3); c.2844G>A, p.Ser948= (NM_001291101.1); c.3054G>A, p.Ser1018= (NM_001410768.1).
Identifiers: ClinVar variation 3344907 (VCV003344907.1).
Genomic context (GRCh38, chr3:50,365,403, plus strand): 5'-CCACTGCCAGCACCTGGAGCAGTTTCCGCAGTCGATGATGGCGTTGTAGGAGGCGTTTAC[C>T]GAGCCGAAGTAGTACTGGGTCTGTTTCATGACGCAGCTGCTCTCGCGCGTCTCGGGGCTC-3'
Protein context (NP_006021.2, residues 1007-1027): VMKQTQYYFG[Ser1017=]VNASYNAIID